The following is an entry in ClinVar:

NM_033198.4(PIGS):c.231C>T (p.Asp77=)

Gene: PIGS (phosphatidylinositol glycan anchor biosynthesis class S; minus strand). Cytogenetic location: 17q11.2.
Variant type: single nucleotide variant.
Coding change: c.231C>T on transcript NM_033198.4 (MANE Select); coding-DNA position 231, C replaced by T.
Protein change: p.Asp77=; no amino-acid change (aspartic acid 77 retained).
Molecular consequence: synonymous variant.
Genome position (GRCh38, 1-based): chr17:28,570,907, G>A on the plus strand (C>T on the coding strand, the complement: PIGS is on the minus strand). VCF-style: chr17-28570907-G-A. GRCh37 (hg19) VCF-style: chr17-26897925-G-A.
Identifiers: ClinVar variation 2647586 (VCV002647586.24), dbSNP rs763203088, ClinGen allele CA8460368.

ClinVar aggregate classification (germline): Likely benign (1 of 4 stars; one submission).

Allele frequency attached by ClinVar (database versions not stated): TOPMed 0.00001; ExAC 0.00002; gnomAD 0.00002.
gnomAD v4.1: 71 of 1,614,076 alleles (0.0044%); highest among the groups gnomAD compares: Non-Finnish European, 0.0059%; no homozygotes.

Submission:

CeGaT Center for Human Genetics Tuebingen
Classification: Likely benign. Last evaluated: 2022-08-01. Review status: criteria provided, single submitter. Criteria: CeGaT Center For Human Genetics Tuebingen Variant Classification Criteria Version 2. Collection method: clinical testing. Allele origin: germline. Affected: yes. Observed: 1 variant allele.
Comment: PIGS: BP4, BP7